The following is an entry in ClinVar:

ClinVar aggregate classification (germline): Uncertain significance (1 of 4 stars; one submission).

Conditions:
Cardiomyopathy (CMYO). Also called: Cardiomyopathies. Identifiers: Orphanet 167848, MedGen C0878544, MONDO:0004994, HP:0001638. Inheritance: Various modes of inheritance.

Submission:

All of Us Research Program, National Institutes of Health
Classification: Uncertain significance for Cardiomyopathy. Last evaluated: 2023-07-19. Review status: criteria provided, single submitter. Criteria: ACMG Guidelines, 2015. Collection method: clinical testing. Allele origin: germline. Inheritance: Autosomal dominant inheritance. Observed: 1 variant allele, 1 heterozygote.
Comment: This missense variant replaces glutamic acid with glycine at codon 10 of the TNNT2 protein. Computational prediction is inconclusive regarding the impact of this variant on protein structure and function (internally defined REVEL score threshold 0.5 < inconclusive < 0.7, PMID: 27666373). To our knowledge, functional studies have not been reported for this variant. This variant has not been reported in individuals affected with TNNT2-related disorders in the literature. This variant has not been identified in the general population by the Genome Aggregation Database (gnomAD). The available evidence is insufficient to determine the role of this variant in disease conclusively. Therefore, this variant is classified as a Variant of Uncertain Significance.

This study involves interpretation of variants in research participants for the purpose of population health screening. Participant phenotype was not available at the time of variant classification. Additional details can be found in publication PMID: 35346344, PMCID: PMC8962531

NM_001276345.2(TNNT2):c.29A>G (p.Glu10Gly)

Gene: TNNT2 (troponin T2, cardiac type; minus strand). Cytogenetic location: 1q32.1.
Variant type: single nucleotide variant.
Coding change: c.29A>G on transcript NM_001276345.2 (MANE Select); coding-DNA position 29, A replaced by G.
Protein change: p.Glu10Gly; replaces glutamic acid 10 with glycine.
Molecular consequence: missense variant.
Genome position (GRCh38, 1-based): chr1:201,373,226, T>C on the plus strand (A>G on the coding strand, the complement: TNNT2 is on the minus strand). VCF-style: chr1-201373226-T-C. GRCh37 (hg19) VCF-style: chr1-201342354-T-C.
Other names: c.29A>G, p.Glu10Gly (NM_000364.4, NM_001001430.3, NM_001001431.3 and 9 more transcripts); short protein forms E10G.
Identifiers: ClinVar variation 3072460 (VCV003072460.1), dbSNP rs2527157264, ClinGen allele CA344208988.
Genomic context (GRCh38, chr1:201,373,226, plus strand): 5'-CAGCGGCGGGAGAGGACCCCACTCAGGCAAGATGCTCCAGATACTCACTCCTCCTCGTAC[T>C]CTTCCACCACCTCTTCTATGTCAGACATGGTCTCTGCTCTCCCTCCAAAAGGAGAAAAAA-3'
Protein context (NP_001263274.1, residues 1-20): MSDIEEVVE[Glu10Gly]YEEEEQEEAA